The following is an entry in ClinVar:

NM_001458.5(FLNC):c.7814A>G (p.Glu2605Gly)

Genes: FLNC (filamin C; plus strand), FLNC-AS1 (FLNC antisense RNA 1; minus strand). Cytogenetic location: 7q32.1.
Variant type: single nucleotide variant.
Coding change: c.7814A>G on transcript NM_001458.5 (MANE Select); coding-DNA position 7814, A replaced by G.
Protein change: p.Glu2605Gly; replaces glutamic acid 2605 with glycine.
Molecular consequence: missense variant.
Genome position (GRCh38, 1-based): chr7:128,858,041, A>G. VCF-style: chr7-128858041-A-G. GRCh37 (hg19) VCF-style: chr7-128498095-A-G.
Other names: c.7715A>G, p.Glu2572Gly (NM_001127487.2); short protein forms E2572G, E2605G.
Identifiers: ClinVar variation 3383243 (VCV003383243.1).
Genomic context (GRCh38, chr7:128,858,041, plus strand): 5'-TTTGTGCCCCCTCCACCCACCCCTCAGGTCCGAGGCTGTCCGGAGGCCACAGCCTTCACG[A>G]AACATCCACGGTTCTGGTGGAGACTGTGACCAAGTCCTCCTCAAGCCGGGGCTCCAGCTA-3'
Protein context (NP_001449.3, residues 2595-2615): PRLSGGHSLH[Glu2605Gly]TSTVLVETVT

ClinVar aggregate classification (germline): Uncertain significance (1 of 4 stars; one submission).

Conditions:
Hypertrophic cardiomyopathy 26. Also called: Cardiomyopathy, familial hypertrophic, 26. Identifiers: Orphanet 75249, MedGen C4310749, MONDO:0014883, OMIM 617047.

Submission:

MVZ Medizinische Genetik Mainz
Classification: Uncertain significance for Hypertrophic cardiomyopathy 26. Last evaluated: 2024-10-29. Review status: criteria provided, single submitter. Criteria: UK Practice Guidelines For Variant Classification V4 01 2020. Collection method: clinical testing. Allele origin: germline. Inheritance: Autosomal dominant inheritance. Affected: yes. Observed: 1 variant allele.
Comment: ACMG Criteria: PP3_MOD,PM2_SUP